The following is an entry in ClinVar:

NM_015450.3(POT1):c.1246A>G (p.Thr416Ala)

Gene: POT1 (protection of telomeres 1; minus strand). Cytogenetic location: 7q31.33.
Variant type: single nucleotide variant.
Coding change: c.1246A>G on transcript NM_015450.3 (MANE Select); coding-DNA position 1246, A replaced by G.
Protein change: p.Thr416Ala; replaces threonine 416 with alanine.
Molecular consequence: missense variant. On other transcripts: non-coding transcript variant (3).
Genome position (GRCh38, 1-based): chr7:124,841,096, T>C on the plus strand (A>G on the coding strand, the complement: POT1 is on the minus strand). VCF-style: chr7-124841096-T-C. GRCh37 (hg19) VCF-style: chr7-124481150-T-C.
Other names: c.853A>G, p.Thr285Ala (NM_001042594.2); short protein forms T285A, T416A.
Identifiers: ClinVar variation 1516095 (VCV001516095.10), dbSNP rs761543329, ClinGen allele CA4465180.

ClinVar aggregate classification (germline): Uncertain significance. Review status: criteria provided, multiple submitters, no conflicts (2 of 4 stars). 2 submissions from 2 submitters: Uncertain significance (2). Last evaluated 2024-12-10.

Conditions:
Hereditary cancer-predisposing syndrome. Also called: Neoplastic Syndromes, Hereditary; Hereditary Cancer Syndrome; Hereditary neoplastic syndrome; Tumor predisposition. Identifiers: Orphanet 140162, MedGen C0027672, MeSH D009386, MONDO:0015356.
Tumor predisposition syndrome 3 (TPDS3). Also called: Glioma susceptibility 9; LONG TELOMERE SYNDROME, POT1-RELATED; POT1 Tumor Predisposition; Melanoma, cutaneous malignant, susceptibility to, 10. Identifiers: Orphanet 618, MedGen C4014476, MONDO:0014368, OMIM 615848.

Allele frequency attached by ClinVar (database versions not stated): gnomAD exomes below 0.00001 and 0.00001; TOPMed 0.00001; ExAC 0.00002.
gnomAD v4.1: 3 of 1,612,876 alleles (0.00019%); highest among the groups gnomAD compares: East Asian, 0.0022%; no homozygotes.

Submissions (2):

Labcorp Genetics (formerly Invitae), Labcorp
Classification: Uncertain significance for Tumor predisposition syndrome 3. Last evaluated: 2024-12-10. Review status: criteria provided, single submitter. Criteria: Invitae Variant Classification Sherloc (09022015). Collection method: clinical testing. Allele origin: germline.
Comment: This sequence change replaces threonine, which is neutral and polar, with alanine, which is neutral and non-polar, at codon 416 of the POT1 protein (p.Thr416Ala). This variant is present in population databases (rs761543329, gnomAD 0.01%). This variant has not been reported in the literature in individuals affected with POT1-related conditions. ClinVar contains an entry for this variant (Variation ID: 1516095). Invitae Evidence Modeling of protein sequence and biophysical properties (such as structural, functional, and spatial information, amino acid conservation, physicochemical variation, residue mobility, and thermodynamic stability) indicates that this missense variant is not expected to disrupt POT1 protein function with a negative predictive value of 80%. In summary, the available evidence is currently insufficient to determine the role of this variant in disease. Therefore, it has been classified as a Variant of Uncertain Significance.

Ambry Genetics
Classification: Uncertain significance for Hereditary cancer-predisposing syndrome. Last evaluated: 2024-05-28. Review status: criteria provided, single submitter. Criteria: Ambry Variant Classification Scheme 2023. Collection method: clinical testing. Allele origin: germline.
Comment: The p.T416A variant (also known as c.1246A>G), located in coding exon 10 of the POT1 gene, results from an A to G substitution at nucleotide position 1246. The threonine at codon 416 is replaced by alanine, an amino acid with similar properties. This amino acid position is well conserved in available vertebrate species. In addition, this alteration is predicted to be tolerated by in silico analysis. Since supporting evidence is limited at this time, the clinical significance of this alteration remains unclear.